The following is an entry in ClinVar:

NM_152419.3(HGSNAT):c.322G>A (p.Gly108Arg)

Gene: HGSNAT (heparan-alpha-glucosaminide N-acetyltransferase; plus strand). Cytogenetic location: 8p11.21.
Variant type: single nucleotide variant.
Coding change: c.322G>A on transcript NM_152419.3 (MANE Select); coding-DNA position 322, G replaced by A.
Protein change: p.Gly108Arg; replaces glycine 108 with arginine.
Molecular consequence: missense variant. On other transcripts: 5 prime UTR variant (1).
Genome position (GRCh38, 1-based): chr8:43,158,662, G>A. VCF-style: chr8-43158662-G-A. GRCh37 (hg19) VCF-style: chr8-43013805-G-A.
Other names: c.322G>A (NM_152419.2); c.322G>A, p.Gly108Arg (NM_001363227.2, NM_001363228.2); c.-512G>A (NM_001363229.2); short protein forms G108R.
Identifiers: ClinVar variation 1007998 (VCV001007998.5), dbSNP rs1427202401, ClinGen allele CA371125201.

ClinVar aggregate classification (germline): Uncertain significance. Review status: criteria provided, multiple submitters, no conflicts (2 of 4 stars). 3 submissions from 3 submitters: Uncertain significance (2). 1 of the submissions does not count toward it. Last evaluated 2025-08-19.

Conditions:
Mucopolysaccharidosis, MPS-III-C (MPS3C). Also called: MPS IIIC (Sanfilippo Syndrome Type C); MUCOPOLYSACCHARIDOSIS, TYPE IIIC; Mucopolysaccharidosis type IIIC (Sanfilippo C); mucopolysaccharidosis type 3C; SANFILIPPO SYNDROME C; MPS III C. Identifiers: Orphanet 581, Orphanet 79271, MedGen C0086649, MONDO:0009657, OMIM 252930.
Inborn genetic diseases. Identifiers: MedGen C0950123, MeSH D030342.
Retinitis pigmentosa 73 (RP73). Identifiers: Orphanet 791, MedGen C4225287, MONDO:0014687, OMIM 616544.

Allele frequency attached by ClinVar (database versions not stated): gnomAD exomes 0.00005; TOPMed 0.00004; gnomAD 0.00001.
gnomAD v4.1: 74 of 1,613,566 alleles (0.0046%); highest among the groups gnomAD compares: Middle Eastern, 0.049%; 1 homozygote.

Submissions (3):

Ambry Genetics
Classification: Uncertain significance for Inborn genetic diseases. Last evaluated: 2025-08-19. Review status: criteria provided, single submitter. Criteria: Ambry Variant Classification Scheme 2023. Collection method: clinical testing. Allele origin: germline.

Labcorp Genetics (formerly Invitae), Labcorp
Classification: Uncertain significance for Retinitis pigmentosa 73; Mucopolysaccharidosis, MPS-III-C. Last evaluated: 2024-02-17. Review status: criteria provided, single submitter. Criteria: Invitae Variant Classification Sherloc (09022015). Collection method: clinical testing. Allele origin: germline.
Comment: This sequence change replaces glycine, which is neutral and non-polar, with arginine, which is basic and polar, at codon 108 of the HGSNAT protein (p.Gly108Arg). This variant is present in population databases (no rsID available, gnomAD 0.03%). This variant has not been reported in the literature in individuals affected with HGSNAT-related conditions. ClinVar contains an entry for this variant (Variation ID: 1007998). Advanced modeling of protein sequence and biophysical properties (such as structural, functional, and spatial information, amino acid conservation, physicochemical variation, residue mobility, and thermodynamic stability) performed at Invitae indicates that this missense variant is not expected to disrupt HGSNAT protein function with a negative predictive value of 95%. In summary, the available evidence is currently insufficient to determine the role of this variant in disease. Therefore, it has been classified as a Variant of Uncertain Significance.

Natera, Inc.
Classification: Uncertain significance for Mucopolysaccharidosis type IIIC. Last evaluated: 2020-03-20. Review status: no assertion criteria provided. Collection method: clinical testing. Allele origin: germline. Not counted in ClinVar's aggregate classification.